The following is an entry in ClinVar:

ClinVar aggregate classification (germline): Likely pathogenic (1 of 4 stars; one submission).

Conditions:
NBAS-related disorder. Also called: NBAS-related condition.

Submission:

PreventionGenetics, part of Exact Sciences
Classification: Likely pathogenic for NBAS-related condition. Last evaluated: 2023-01-06. Review status: criteria provided, single submitter. Criteria: ACMG Guidelines, 2015. Collection method: clinical testing. Allele origin: germline.
Comment: The NBAS c.6507delC variant is predicted to result in a frameshift and premature protein termination (p.His2169Glnfs*18). To our knowledge, this variant has not been reported in the literature or in a large population database, indicating this variant is rare. Frameshift variants in NBAS are expected to be pathogenic. This variant is interpreted as likely pathogenic.

NM_015909.4(NBAS):c.6507del (p.His2169fs)

Gene: NBAS (NBAS subunit of NRZ tethering complex; minus strand). Cytogenetic location: 2p24.3.
Variant type: Deletion.
Coding change: c.6507del on transcript NM_015909.4 (MANE Select); coding-DNA position 6507, one base deleted (C; older notation c.6507delC).
Protein change: p.His2169fs; shifts the reading frame from histidine 2169.
Molecular consequence: frameshift variant. On other transcripts: non-coding transcript variant (1).
Genome position (GRCh38, 1-based): chr2:15,190,329, G deleted on the plus strand (C on the coding strand, the reverse complement: NBAS is on the minus strand). VCF-style (leftmost placement, unchanged base first): chr2-15190328-CG-C. GRCh37 (hg19) VCF-style: chr2-15330452-CG-C.
Other names: short protein forms H2169fs.
Identifiers: ClinVar variation 2629770 (VCV002629770.1), dbSNP rs2528030864, ClinGen allele CA2695200424.
Genomic context (GRCh38, chr2:15,190,328, plus strand): 5'-ATTCACTTTTCATAGGTGGCCAAGCTTGCAAAAGTAAAACCAAGTGCTGAAATTCAGCCT[CG>C]TGGTGACTAGATTCCAGGAGTTCCATGAATAGACAGTAGCGGTTCTCTTCATTCTCAATG-3'